The following is an entry in ClinVar:

NM_002095.6(GTF2E2):c.73C>T (p.Arg25Cys)

Gene: GTF2E2 (general transcription factor IIE subunit 2; minus strand). Cytogenetic location: 8p12.
Variant type: single nucleotide variant.
Coding change: c.73C>T on transcript NM_002095.6 (MANE Select); coding-DNA position 73, C replaced by T.
Protein change: p.Arg25Cys; replaces arginine 25 with cysteine.
Molecular consequence: missense variant.
Genome position (GRCh38, 1-based): chr8:30,653,526, G>A on the plus strand (C>T on the coding strand, the complement: GTF2E2 is on the minus strand). VCF-style: chr8-30653526-G-A. GRCh37 (hg19) VCF-style: chr8-30511043-G-A.
Other names: c.73C>T, p.Arg25Cys (NM_001348353.1); c.73C>T (NM_002095.4); short protein forms R25C.
Identifiers: ClinVar variation 1000908 (VCV001000908.5), dbSNP rs141148292, ClinGen allele CA4701109.

ClinVar aggregate classification (germline): Uncertain significance. Review status: criteria provided, multiple submitters, no conflicts (2 of 4 stars). 2 submissions from 2 submitters: Uncertain significance (2). Last evaluated 2025-05-28.

Conditions:
Inborn genetic diseases. Identifiers: MedGen C0950123, MeSH D030342.

Allele frequency attached by ClinVar (database versions not stated): gnomAD exomes 0.00019 and 0.00064; TOPMed 0.00027; gnomAD 0.00030 and 0.00028; ExAC 0.00017; ESP Exome Variant Server 0.00046.
gnomAD v4.1: 948 of 1,612,650 alleles (0.059%); highest among the groups gnomAD compares: Non-Finnish European, 0.078%; no homozygotes.

Submissions (2):

Ambry Genetics
Classification: Uncertain significance for Inborn genetic diseases. Last evaluated: 2025-05-28. Review status: criteria provided, single submitter. Criteria: Ambry Variant Classification Scheme 2023. Collection method: clinical testing. Allele origin: germline.

Labcorp Genetics (formerly Invitae), Labcorp
Classification: Uncertain significance. Last evaluated: 2022-07-25. Review status: criteria provided, single submitter. Criteria: Invitae Variant Classification Sherloc (09022015). Collection method: clinical testing. Allele origin: germline.
Comment: This sequence change replaces arginine, which is basic and polar, with cysteine, which is neutral and slightly polar, at codon 25 of the GTF2E2 protein (p.Arg25Cys). This variant is present in population databases (rs141148292, gnomAD 0.04%). This variant has not been reported in the literature in individuals affected with GTF2E2-related conditions. ClinVar contains an entry for this variant (Variation ID: 1000908). Algorithms developed to predict the effect of missense changes on protein structure and function are either unavailable or do not agree on the potential impact of this missense change (SIFT: "Deleterious"; PolyPhen-2: "Probably Damaging"; Align-GVGD: "Class C0"). In summary, the available evidence is currently insufficient to determine the role of this variant in disease. Therefore, it has been classified as a Variant of Uncertain Significance.